The following is an entry in ClinVar:

ClinVar aggregate classification (germline): Uncertain significance (1 of 4 stars; one submission).

Conditions:
Hereditary cancer-predisposing syndrome. Also called: Neoplastic Syndromes, Hereditary; Tumor predisposition; Hereditary Cancer Syndrome; Hereditary neoplastic syndrome. Identifiers: Orphanet 140162, MedGen C0027672, MeSH D009386, MONDO:0015356.

Submission:

Ambry Genetics
Classification: Uncertain significance for Hereditary cancer-predisposing syndrome. Last evaluated: 2021-11-09. Review status: criteria provided, single submitter. Criteria: Ambry Variant Classification Scheme 2023. Collection method: clinical testing. Allele origin: germline.
Comment: The p.I386T variant (also known as c.1157T>C), located in coding exon 5 of the BLM gene, results from a T to C substitution at nucleotide position 1157. The isoleucine at codon 386 is replaced by threonine, an amino acid with similar properties. This amino acid position is conserved. In addition, the in silico prediction for this alteration is inconclusive. Since supporting evidence is limited at this time, the clinical significance of this alteration remains unclear.

NM_000057.4(BLM):c.1157T>C (p.Ile386Thr)

Gene: BLM (BLM RecQ like helicase; plus strand). Cytogenetic location: 15q26.1.
Variant type: single nucleotide variant.
Coding change: c.1157T>C on transcript NM_000057.4 (MANE Select); coding-DNA position 1157, T replaced by C.
Protein change: p.Ile386Thr; replaces isoleucine 386 with threonine.
Molecular consequence: missense variant.
Genome position (GRCh38, 1-based): chr15:90,760,216, T>C. VCF-style: chr15-90760216-T-C. GRCh37 (hg19) VCF-style: chr15-91303446-T-C.
Other names: c.1157T>C, p.Ile386Thr (NM_001287246.2, NM_001287247.2); c.32T>C, p.Ile11Thr (NM_001287248.2); short protein forms I386T, I11T.
Identifiers: ClinVar variation 1735686 (VCV001735686.2), dbSNP rs2151157373, ClinGen allele CA393842438.
Genomic context (GRCh38, chr15:90,760,216, plus strand): 5'-TAAGTTTACAGCAGCAGCTTATTCATGTGATGGAGCACATCTGTAAATTAATTGATACTA[T>C]TCCTGATGATAAACTGAAACTTTTGGATTGTGGGAACGAACTGCTTCAGCAGCGGAACAT-3'
Protein context (NP_000048.1, residues 376-396): MEHICKLIDT[Ile386Thr]PDDKLKLLDC